The following is an entry in ClinVar:

ClinVar aggregate classification (germline): Uncertain significance. Review status: criteria provided, multiple submitters, no conflicts (2 of 4 stars). 2 submissions from 2 submitters: Uncertain significance (2). Last evaluated 2021-12-27.

Conditions:
Inborn genetic diseases. Identifiers: MedGen C0950123, MeSH D030342.
Xeroderma pigmentosum, group D (XPD). Also called: XERODERMA PIGMENTOSUM, COMPLEMENTATION GROUP D; XERODERMA PIGMENTOSUM IV; XP, GROUP D; XP, GROUP H; ERCC2-Related Xeroderma Pigmentosum. Identifiers: MedGen C0268138, MONDO:0010212, OMIM 278730.

gnomAD v4.1: 1 of 1,614,202 alleles (0.000062%); highest among the groups gnomAD compares: Non-Finnish European, 0.000085%; no homozygotes.

Submissions (2):

Ambry Genetics
Classification: Uncertain significance for Inborn genetic diseases. Last evaluated: 2021-12-27. Review status: criteria provided, single submitter. Criteria: Ambry Variant Classification Scheme 2023. Collection method: clinical testing. Allele origin: germline.
Comment: The p.V77M variant (also known as c.229G>A), located in coding exon 4 of the ERCC2 gene, results from a G to A substitution at nucleotide position 229. The valine at codon 77 is replaced by methionine, an amino acid with highly similar properties. This amino acid position is conserved. In addition, the in silico prediction for this alteration is inconclusive. Since supporting evidence is limited at this time, the clinical significance of this alteration remains unclear.

Illumina Laboratory Services, Illumina
Classification: Uncertain significance for Xeroderma pigmentosum, group D. Last evaluated: 2017-04-27. Review status: criteria provided, single submitter. Criteria: ICSL Variant Classification Criteria 13 December 2019. Collection method: clinical testing. Allele origin: germline.

NM_000400.4(ERCC2):c.229G>A (p.Val77Met)

Gene: ERCC2 (ERCC excision repair 2, TFIIH core complex helicase subunit; minus strand). Cytogenetic location: 19q13.32.
Variant type: single nucleotide variant.
Coding change: c.229G>A on transcript NM_000400.4 (MANE Select); coding-DNA position 229, G replaced by A.
Protein change: p.Val77Met; replaces valine 77 with methionine.
Molecular consequence: missense variant.
Genome position (GRCh38, 1-based): chr19:45,368,947, C>T on the plus strand (G>A on the coding strand, the complement: ERCC2 is on the minus strand). VCF-style: chr19-45368947-C-T. GRCh37 (hg19) VCF-style: chr19-45872205-C-T.
Other names: c.157G>A, p.Val53Met (NM_001130867.2); short protein forms V53M, V77M.
Identifiers: ClinVar variation 894709 (VCV000894709.6), dbSNP rs866646197, ClinGen allele CA308974064.